The following is an entry in ClinVar:

ClinVar aggregate classification (germline): Pathogenic (1 of 4 stars; one submission).

Submission:

Institute for Clinical Genetics, University Hospital TU Dresden, University Hospital TU Dresden
Classification: Pathogenic. Last evaluated: 2022-05-19. Review status: criteria provided, single submitter. Criteria: ACMG Guidelines, 2015. Collection method: clinical testing. Allele origin: inherited.
Comment: PVS1, PP4, PM2_SUP

NM_004758.4(TSPOAP1):c.2277del (p.Ser759fs)

Gene: TSPOAP1 (TSPO associated protein 1; minus strand). Cytogenetic location: 17q22.
Variant type: Deletion.
Coding change: c.2277del on transcript NM_004758.4 (MANE Select); coding-DNA position 2277, one base deleted (T; older notation c.2277delT).
Protein change: p.Ser759fs; shifts the reading frame from serine 759.
Molecular consequence: frameshift variant.
Genome position (GRCh38, 1-based): chr17:58,312,544, A deleted on the plus strand (T on the coding strand, the reverse complement: TSPOAP1 is on the minus strand). VCF-style (leftmost placement, unchanged base first): chr17-58312543-CA-C. GRCh37 (hg19) VCF-style: chr17-56389904-CA-C.
Other names: c.2277del, p.Ser759fs (NM_001261835.2); c.2097del, p.Ser699fs (NM_024418.3); short protein forms S699fs, S759fs.
Identifiers: ClinVar variation 2575977 (VCV002575977.1), dbSNP rs2509201283, ClinGen allele CA2580613168.